The following is an entry in ClinVar:

NM_006031.6(PCNT):c.3287A>T (p.Gln1096Leu)

Gene: PCNT (pericentrin; plus strand). Cytogenetic location: 21q22.3.
Variant type: single nucleotide variant.
Coding change: c.3287A>T on transcript NM_006031.6 (MANE Select); coding-DNA position 3287, A replaced by T.
Protein change: p.Gln1096Leu; replaces glutamine 1096 with leucine.
Molecular consequence: missense variant.
Genome position (GRCh38, 1-based): chr21:46,381,815, A>T. VCF-style: chr21-46381815-A-T. GRCh37 (hg19) VCF-style: chr21-47801730-A-T.
Other names: c.3287A>T (NM_006031.5); c.2933A>T, p.Gln978Leu (NM_001315529.2); short protein forms Q1096L, Q978L.
Identifiers: ClinVar variation 3617209 (VCV003617209.4).
Genomic context (GRCh38, chr21:46,381,815, plus strand): 5'-AGAGTGCACAGGCACAGCCTTTTCACCAAGAGGAGAAAGAGTCTTTGTCTCTGCAGCTTC[A>T]AAAGAAGAATCACCAAGTCCAGCAGGTGTGTGGAATACGCTGTTCCCTTGTGATAAGACG-3'
Protein context (NP_006022.3, residues 1086-1106): EEKESLSLQL[Gln1096Leu]KKNHQVQQLK

ClinVar aggregate classification (germline): Uncertain significance. Review status: criteria provided, multiple submitters, no conflicts (2 of 4 stars). 3 submissions from 3 submitters: Uncertain significance (3). Last evaluated 2026-02-24.

Conditions:
Inborn genetic diseases. Identifiers: MedGen C0950123, MeSH D030342.
PCNT-related disorder. Also called: PCNT-related condition.

gnomAD v4.1: 6 of 1,614,114 alleles (0.00037%); highest among the groups gnomAD compares: Admixed American, 0.01%; no homozygotes.

Submissions (3):

PreventionGenetics, part of Exact Sciences
Classification: Uncertain significance for PCNT-related condition. Last evaluated: 2026-02-24. Review status: criteria provided, single submitter. Criteria: ACMG Guidelines, 2015. Collection method: clinical testing. Allele origin: germline.
Comment: The PCNT c.3287A>T variant is predicted to result in the amino acid substitution p.Gln1096Leu. To our knowledge, this variant has not been reported in the literature. This variant is reported in 0.0058% of alleles in individuals of Latino descent in gnomAD. At this time, the clinical significance of this variant is uncertain due to the absence of conclusive functional and genetic evidence.

Ambry Genetics
Classification: Uncertain significance for Inborn genetic diseases. Last evaluated: 2025-04-20. Review status: criteria provided, single submitter. Criteria: Ambry Variant Classification Scheme 2023. Collection method: clinical testing. Allele origin: germline.

Labcorp Genetics (formerly Invitae), Labcorp
Classification: Uncertain significance. Last evaluated: 2024-06-26. Review status: criteria provided, single submitter. Criteria: Invitae Variant Classification Sherloc (09022015). Collection method: clinical testing. Allele origin: germline.
Comment: This sequence change replaces glutamine, which is neutral and polar, with leucine, which is neutral and non-polar, at codon 1096 of the PCNT protein (p.Gln1096Leu). This variant is present in population databases (no rsID available, gnomAD 0.006%). This variant has not been reported in the literature in individuals affected with PCNT-related conditions. An algorithm developed to predict the effect of missense changes on protein structure and function (PolyPhen-2) suggests that this variant is likely to be tolerated. In summary, the available evidence is currently insufficient to determine the role of this variant in disease. Therefore, it has been classified as a Variant of Uncertain Significance.